The following is an entry in ClinVar:

NM_138694.4(PKHD1):c.5687del (p.Thr1896fs)

Gene: PKHD1 (PKHD1 ciliary IPT domain containing fibrocystin/polyductin; minus strand). Cytogenetic location: 6p12.2.
Variant type: Deletion.
Coding change: c.5687del on transcript NM_138694.4 (MANE Select); coding-DNA position 5687, one base deleted (C; older notation c.5687delC).
Protein change: p.Thr1896fs; shifts the reading frame from threonine 1896.
Molecular consequence: frameshift variant.
Genome position (GRCh38, 1-based): chr6:52,010,373, G deleted on the plus strand (C on the coding strand, the reverse complement: PKHD1 is on the minus strand). VCF-style (leftmost placement, unchanged base first): chr6-52010372-CG-C. GRCh37 (hg19) VCF-style: chr6-51875170-CG-C.
Other names: c.5687del, p.Thr1896fs (NM_170724.3); short protein forms T1896fs.
Identifiers: ClinVar variation 5012764 (VCV005012764.1).

ClinVar aggregate classification (germline): Pathogenic (1 of 4 stars; one submission).

Conditions:
Polycystic kidney disease 4 (PKD4). Also called: POLYCYSTIC KIDNEY AND HEPATIC DISEASE 1; POLYCYSTIC KIDNEY DISEASE, INFANTILE, TYPE I; POLYCYSTIC KIDNEY DISEASE 4 WITH OR WITHOUT POLYCYSTIC LIVER DISEASE; PKD3; Autosomal Recessive Polycystic Kidney Disease – PKHD1. Identifiers: MedGen C4540575, MONDO:0033004, OMIM 263200.

Submission:

Myriad Genetics, Inc.
Classification: Pathogenic for Polycystic kidney disease 4. Last evaluated: 2024-02-19. Review status: criteria provided, single submitter. Criteria: Myriad Autosomal Dominant, Autosomal Recessive and X-Linked Classification Criteria (2023). Collection method: clinical testing. Allele origin: unknown.
Comment: NM_138694.3(PKHD1):c.5687delC(T1896Sfs*78) is expected to be pathogenic in the context of autosomal recessive polycystic kidney disease, PKHD1-related. This variant is predicted to lead to an abnormal or absent protein product due to the creation of a premature termination codon in PKHD1, a gene where loss-of-function variants are known to be pathogenic. Please note: this variant was assessed in the context of healthy population screening.